The following is an entry in ClinVar:

ClinVar aggregate classification (germline): Conflicting classifications of pathogenicity. Review status: criteria provided, conflicting classifications (1 of 4 stars). 6 submissions from 6 submitters: Uncertain significance (5); Likely benign (1). Last evaluated 2026-01-27.

Conditions:
PDGFRA-related disorder. Also called: PDGFRA-related condition.
Polyps, multiple and recurrent inflammatory fibroid, gastrointestinal. Identifiers: MedGen C5193005, MONDO:0008285, OMIM 175510.
Hereditary cancer-predisposing syndrome. Also called: Neoplastic Syndromes, Hereditary; Tumor predisposition; Hereditary Cancer Syndrome; Hereditary neoplastic syndrome. Identifiers: Orphanet 140162, MedGen C0027672, MeSH D009386, MONDO:0015356.
Gastrointestinal stromal tumor. Also called: Gastrointestinal stroma tumor; Gastrointestinal stromal tumor, somatic. Identifiers: Orphanet 44890, MedGen C0238198, MeSH D046152, MONDO:0011719, OMIM 606764, HP:0100723.

Allele frequency attached by ClinVar (database versions not stated): ExAC 0.00001; gnomAD exomes 0.00001; TOPMed 0.00002; gnomAD 0.00003 and 0.00004; ESP Exome Variant Server 0.00008.
gnomAD v4.1: 20 of 1,613,874 alleles (0.0012%); highest among the groups gnomAD compares: Admixed American, 0.0033%; no homozygotes.

Submissions (6):

Labcorp Genetics (formerly Invitae), Labcorp
Classification: Uncertain significance for Gastrointestinal stromal tumor. Last evaluated: 2026-01-27. Review status: criteria provided, single submitter. Criteria: Invitae Variant Classification Sherloc (09022015). Collection method: clinical testing. Allele origin: germline.
Comment: This sequence change replaces valine, which is neutral and non-polar, with isoleucine, which is neutral and non-polar, at codon 824 of the PDGFRA protein (p.Val824Ile). This variant is present in population databases (rs370600501, gnomAD 0.01%). This variant has not been reported in the literature in individuals affected with PDGFRA-related conditions. ClinVar contains an entry for this variant (Variation ID: 407384). Invitae Evidence Modeling of protein sequence and biophysical properties (such as structural, functional, and spatial information, amino acid conservation, physicochemical variation, residue mobility, and thermodynamic stability) indicates that this missense variant is not expected to disrupt PDGFRA protein function with a negative predictive value of 80%. In summary, the available evidence is currently insufficient to determine the role of this variant in disease. Therefore, it has been classified as a Variant of Uncertain Significance.

PreventionGenetics, part of Exact Sciences
Classification: Uncertain significance for PDGFRA-related condition. Last evaluated: 2026-01-06. Review status: criteria provided, single submitter. Criteria: ACMG Guidelines, 2015. Collection method: clinical testing. Allele origin: germline.
Comment: The PDGFRA c.2470G>A variant is predicted to result in the amino acid substitution p.Val824Ile. To our knowledge, this variant has not been reported in the literature. This variant is reported in 0.010% of alleles in individuals of East Asian descent in gnomAD and has conflicting interpretations in ClinVar ranging from likely benign to uncertain (Variation ID: 407384). Although we suspect that this variant may be benign, at this time, the clinical significance of this variant is uncertain due to the absence of conclusive functional and genetic evidence.

Baylor Genetics
Classification: Uncertain significance for Polyps, multiple and recurrent inflammatory fibroid, gastrointestinal. Last evaluated: 2023-12-25. Review status: criteria provided, single submitter. Criteria: ACMG Guidelines, 2015. Collection method: clinical testing. Allele origin: unknown.

GeneDx
Classification: Uncertain significance. Last evaluated: 2023-03-10. Review status: criteria provided, single submitter. Criteria: GeneDx Variant Classification Process June 2021. Collection method: clinical testing. Allele origin: germline. Affected: yes.
Comment: Not observed at significant frequency in large population cohorts (gnomAD); In silico analysis supports that this missense variant does not alter protein structure/function; Has not been previously published as pathogenic or benign to our knowledge; This variant is associated with the following publications: (PMID: 33918692, 26517354, 27121310)

Sema4
Classification: Uncertain significance for Hereditary cancer-predisposing syndrome. Last evaluated: 2022-03-06. Review status: criteria provided, single submitter. Criteria: Sema4 Curation Guidelines. Collection method: curation. Allele origin: germline.
Comment: To the best of our knowledge, the PDGFRA c.2470G>A (p.V824I) variant has not been reported in individuals with PDGFRA-related disease. It was observed in 5/282750 chromosomes across all populations in the large and broad cohorts of the Genome Aggregation Database (PMID: 32461654). This variant has been reported in ClinVar (Variation ID 407384). Functional studies have not been performed, and in silico predictions of the variant's effect on protein function are inconclusive. The evidence is insufficient to meet ACMG/AMP criteria for classifying the variant as benign or pathogenic. Thus, the clinical significance of this variant is currently uncertain.

Ambry Genetics
Classification: Likely benign for Hereditary cancer-predisposing syndrome. Last evaluated: 2022-02-18. Review status: criteria provided, single submitter. Criteria: Ambry Variant Classification Scheme 2023. Collection method: clinical testing. Allele origin: germline.

NM_006206.6(PDGFRA):c.2470G>A (p.Val824Ile)

Gene: PDGFRA (platelet derived growth factor receptor alpha; plus strand). Cytogenetic location: 4q12.
Variant type: single nucleotide variant.
Coding change: c.2470G>A on transcript NM_006206.6 (MANE Select); coding-DNA position 2470, G replaced by A.
Protein change: p.Val824Ile; replaces valine 824 with isoleucine.
Molecular consequence: missense variant.
Genome position (GRCh38, 1-based): chr4:54,285,871, G>A. VCF-style: chr4-54285871-G-A. GRCh37 (hg19) VCF-style: chr4-55152038-G-A.
Other names: c.2470G>A (NM_006206.5); c.2545G>A, p.Val849Ile (NM_001347828.2); c.2470G>A, p.Val824Ile (NM_001347829.2); c.2509G>A, p.Val837Ile (NM_001347830.2); short protein forms V824I, V837I, V849I.
Identifiers: ClinVar variation 407384 (VCV000407384.18), dbSNP rs370600501, ClinGen allele CA2922875.